The following is an entry in ClinVar:

NM_001035.3(RYR2):c.1628G>A (p.Gly543Glu)

Gene: RYR2 (ryanodine receptor 2; plus strand). Cytogenetic location: 1q43.
Variant type: single nucleotide variant.
Coding change: c.1628G>A on transcript NM_001035.3 (MANE Select); coding-DNA position 1628, G replaced by A.
Protein change: p.Gly543Glu; replaces glycine 543 with glutamic acid.
Molecular consequence: missense variant.
Genome position (GRCh38, 1-based): chr1:237,469,107, G>A. VCF-style: chr1-237469107-G-A. GRCh37 (hg19) VCF-style: chr1-237632407-G-A.
Other names: short protein forms G543E.
Identifiers: ClinVar variation 4757973 (VCV004757973.1).
Genomic context (GRCh38, chr1:237,469,107, plus strand): 5'-AGCTAGAAAATCACATAAAGGTGAAATCTATTTCTTCTTTTGCAGCGGCTCTAATTAGAG[G>A]AAATCGTAAAAACTGTGCTCAATTTTCTGGCTCCCTCGACTGGTTGATCAGCAGATTGGA-3'
Protein context (NP_001026.2, residues 533-553): LYELLAALIR[Gly543Glu]NRKNCAQFSG

ClinVar aggregate classification (germline): Uncertain significance (1 of 4 stars; one submission).

Conditions:
Cardiomyopathy (CMYO). Also called: Cardiomyopathies. Identifiers: Orphanet 167848, MedGen C0878544, MONDO:0004994, HP:0001638. Inheritance: Various modes of inheritance.

Submission:

Color Diagnostics, LLC DBA Color Health
Classification: Uncertain significance for Cardiomyopathy. Last evaluated: 2025-09-09. Review status: criteria provided, single submitter. Criteria: ACMG Guidelines, 2015. Collection method: clinical testing. Allele origin: germline.
Comment: This missense variant replaces glycine with glutamic acid at codon 543 of the RYR2 protein. Computational prediction suggests that this variant may have deleterious impact on protein structure and function. To our knowledge, functional studies have not been reported for this variant. This variant has not been reported in individuals affected with RYR2-related disorders in the literature. This variant has not been identified in the general population by the Genome Aggregation Database (gnomAD). The available evidence is insufficient to determine the role of this variant in disease conclusively. Therefore, this variant is classified as a Variant of Uncertain Significance.